The following is an entry in ClinVar:

ClinVar aggregate classification (germline): Conflicting classifications of pathogenicity. Review status: criteria provided, conflicting classifications (1 of 4 stars). 5 submissions from 5 submitters: Uncertain significance (1); Benign (1); Likely benign (2). 1 of the submissions does not count toward it. Last evaluated 2024-10-22.

Conditions:
MARVELD2-related disorder. Also called: MARVELD2-related condition.

Allele frequency attached by ClinVar (database versions not stated): gnomAD exomes 0.00027; gnomAD 0.00090 and 0.00096; ExAC 0.00040; TOPMed 0.00096; ESP Exome Variant Server 0.00154.

Submissions (5):

Labcorp Genetics (formerly Invitae), Labcorp
Classification: Benign. Last evaluated: 2024-10-22. Review status: criteria provided, single submitter. Criteria: Invitae Variant Classification Sherloc (09022015). Collection method: clinical testing. Allele origin: germline.

GeneDx
Classification: Likely benign. Last evaluated: 2017-10-09. Review status: criteria provided, single submitter. Criteria: GeneDx Variant Classification (06012015). Collection method: clinical testing. Allele origin: germline. Affected: yes.
Comment: This variant is considered likely benign or benign based on one or more of the following criteria: it is a conservative change, it occurs at a poorly conserved position in the protein, it is predicted to be benign by multiple in silico algorithms, and/or has population frequency not consistent with disease.

Eurofins Ntd Llc (ga)
Classification: Uncertain significance. Last evaluated: 2017-03-30. Review status: criteria provided, single submitter. Criteria: EGL Classification Definitions 2015. Collection method: clinical testing. Allele origin: germline. Observed: 1 variant allele, 1 heterozygote.

Laboratory for Molecular Medicine, Mass General Brigham Personalized Medicine
Classification: Likely benign. Last evaluated: 2012-04-30. Review status: criteria provided, single submitter. Criteria: LMM Criteria. Collection method: clinical testing. Allele origin: germline. Observed: 1 variant allele.
Comment: Leu300Leu in Exon 02 of MARVELD2: This variant is not expected to have clinical significance because it does not alter an amino acid residue, is not located wit hin the splice consensus sequence, and has been identified in 0.4% (14/3738) of African American chromosomes from a broad population by the NHLBI Exome Sequenci ng Project (dbSNP rs138680809).

PreventionGenetics, part of Exact Sciences
Classification: Likely benign for MARVELD2-related condition. Last evaluated: 2019-10-14. Review status: no assertion criteria provided. Collection method: clinical testing. Allele origin: germline. Not counted in ClinVar's aggregate classification.
Comment: This variant is classified as likely benign based on ACMG/AMP sequence variant interpretation guidelines (Richards et al. 2015 PMID: 25741868, with internal and published modifications).

NM_001038603.3(MARVELD2):c.900G>A (p.Leu300=)

Gene: MARVELD2 (MARVEL domain containing 2; plus strand). Cytogenetic location: 5q13.2.
Variant type: single nucleotide variant.
Coding change: c.900G>A on transcript NM_001038603.3 (MANE Select); coding-DNA position 900, G replaced by A.
Protein change: p.Leu300=; no amino-acid change (leucine 300 retained).
Molecular consequence: synonymous variant.
Genome position (GRCh38, 1-based): chr5:69,420,285, G>A. VCF-style: chr5-69420285-G-A. GRCh37 (hg19) VCF-style: chr5-68716112-G-A.
Other names: c.900G>A, p.Leu300= (NM_001244734.2).
Identifiers: ClinVar variation 163968 (VCV000163968.14), dbSNP rs138680809, ClinGen allele CA176718.